The following is an entry in ClinVar:

ClinVar aggregate classification (germline): Uncertain significance (1 of 4 stars; one submission).

Allele frequency attached by ClinVar (database versions not stated): ExAC 0.00002; gnomAD 0.00005; TOPMed 0.00006.
gnomAD v4.1: 250 of 1,613,468 alleles (0.015%); highest among the groups gnomAD compares: Non-Finnish European, 0.02%; no homozygotes.

Submission:

Labcorp Genetics (formerly Invitae), Labcorp
Classification: Uncertain significance. Last evaluated: 2025-04-16. Review status: criteria provided, single submitter. Criteria: Invitae Variant Classification Sherloc (09022015). Collection method: clinical testing. Allele origin: germline.
Comment: This sequence change replaces valine, which is neutral and non-polar, with isoleucine, which is neutral and non-polar, at codon 5607 of the HMCN1 protein (p.Val5607Ile). This variant is present in population databases (rs559522196, gnomAD 0.005%). This variant has not been reported in the literature in individuals affected with HMCN1-related conditions. ClinVar contains an entry for this variant (Variation ID: 2060066). An algorithm developed to predict the effect of missense changes on protein structure and function (PolyPhen-2) suggests that this variant is likely to be disruptive. In summary, the available evidence is currently insufficient to determine the role of this variant in disease. Therefore, it has been classified as a Variant of Uncertain Significance.

NM_031935.3(HMCN1):c.16819G>A (p.Val5607Ile)

Gene: HMCN1 (hemicentin 1; plus strand). Cytogenetic location: 1q31.1.
Variant type: single nucleotide variant.
Coding change: c.16819G>A on transcript NM_031935.3 (MANE Select); coding-DNA position 16819, G replaced by A.
Protein change: p.Val5607Ile; replaces valine 5607 with isoleucine.
Molecular consequence: missense variant.
Genome position (GRCh38, 1-based): chr1:186,189,789, G>A. VCF-style: chr1-186189789-G-A. GRCh37 (hg19) VCF-style: chr1-186158921-G-A.
Other names: short protein forms V5607I.
Identifiers: ClinVar variation 2060066 (VCV002060066.4), dbSNP rs559522196, ClinGen allele CA1295659.